The following is an entry in ClinVar:

ClinVar aggregate classification (germline): Uncertain significance (1 of 4 stars; one submission).

Conditions:
Genitopatellar syndrome (GTPTS). Also called: ABSENT PATELLAE, SCROTAL HYPOPLASIA, RENAL ANOMALIES, FACIAL DYSMORPHISM, AND MENTAL RETARDATION; Genitopatellar syndrome (GPS). Identifiers: Orphanet 85201, MedGen C1853566, MONDO:0011640, OMIM 606170.

Allele frequency attached by ClinVar (database versions not stated): ESP Exome Variant Server 0.00008.
gnomAD v4.1: 3 of 1,614,022 alleles (0.00019%); highest among the groups gnomAD compares: Non-Finnish European, 0.00025%; no homozygotes.

Submission:

Labcorp Genetics (formerly Invitae), Labcorp
Classification: Uncertain significance for Genitopatellar syndrome. Last evaluated: 2023-08-23. Review status: criteria provided, single submitter. Criteria: Invitae Variant Classification Sherloc (09022015). Collection method: clinical testing. Allele origin: germline.
Comment: In summary, the available evidence is currently insufficient to determine the role of this variant in disease. Therefore, it has been classified as a Variant of Uncertain Significance. This sequence change replaces threonine, which is neutral and polar, with serine, which is neutral and polar, at codon 1576 of the KAT6B protein (p.Thr1576Ser). This variant is present in population databases (rs368252918, gnomAD 0.0009%). This variant has not been reported in the literature in individuals affected with KAT6B-related conditions. Advanced modeling of protein sequence and biophysical properties (such as structural, functional, and spatial information, amino acid conservation, physicochemical variation, residue mobility, and thermodynamic stability) performed at Invitae indicates that this missense variant is not expected to disrupt KAT6B protein function.

NM_012330.4(KAT6B):c.4727C>G (p.Thr1576Ser)

Gene: KAT6B (lysine acetyltransferase 6B; plus strand). Cytogenetic location: 10q22.2.
Variant type: single nucleotide variant.
Coding change: c.4727C>G on transcript NM_012330.4 (MANE Select); coding-DNA position 4727, C replaced by G.
Protein change: p.Thr1576Ser; replaces threonine 1576 with serine.
Molecular consequence: missense variant.
Genome position (GRCh38, 1-based): chr10:75,029,551, C>G. VCF-style: chr10-75029551-C-G. GRCh37 (hg19) VCF-style: chr10-76789309-C-G.
Other names: c.4178C>G, p.Thr1393Ser (NM_001256468.2, NM_001370138.1); c.3851C>G, p.Thr1284Ser (NM_001256469.2, NM_001370139.1, NM_001370140.1 and 2 more transcripts); c.3689C>G, p.Thr1230Ser (NM_001370132.1); c.3038C>G, p.Thr1013Ser (NM_001370133.1); c.2642C>G, p.Thr881Ser (NM_001370134.1); c.2384C>G, p.Thr795Ser (NM_001370135.1); c.4727C>G, p.Thr1576Ser (NM_001370136.1, NM_001370137.1); c.3662C>G, p.Thr1221Ser (NM_001370143.1, NM_001370144.1); short protein forms T795S, T1221S, T1284S, T1576S, T1013S, T1230S, T1393S, T881S.
Identifiers: ClinVar variation 2721264 (VCV002721264.3), dbSNP rs368252918, ClinGen allele CA5565083.
Genomic context (GRCh38, chr10:75,029,551, plus strand): 5'-ACGACACCTTTCAGGATTGTGCCGAGACTCAAGAGGCCTGTAGAAGCCTACAGAACTACA[C>G]CCGTGCAGACCAAAGTCCACAGATTGCCACCACGCTCGACGATTGCCAACAGTCGGACCA-3'
Protein context (NP_036462.2, residues 1566-1586): QEACRSLQNY[Thr1576Ser]RADQSPQIAT